The following is an entry in ClinVar:

ClinVar aggregate classification (germline): Benign/Likely benign. Review status: criteria provided, multiple submitters, no conflicts (2 of 4 stars). 4 submissions from 4 submitters: Benign (1); Likely benign (2). 1 of the submissions does not count toward it. Last evaluated 2026-05-01.

Conditions:
Polyglucosan body myopathy type 1 (PGBM1). Also called: Polyglucosan body myopathy 1 with or without immunodeficiency; POLYGLUCOSAN BODY MYOPATHY WITHOUT IMMUNODEFICIENCY. Identifiers: Orphanet 329173, Orphanet 397937, MedGen C4014605, MONDO:0014389, OMIM 615895.
RBCK1-related disorder. Also called: RBCK1-related condition.

Allele frequency attached by ClinVar (database versions not stated): ESP Exome Variant Server 0.00054; gnomAD 0.00079 and 0.00081; gnomAD exomes 0.00093; ExAC 0.00106; 1000 Genomes Project 30x 0.00016; 1000 Genomes Project 0.00020; TOPMed 0.00050.
gnomAD v4.1: 1,597 of 1,613,950 alleles (0.099%); highest among the groups gnomAD compares: South Asian, 0.12%; 4 homozygotes.

Submissions (4):

CeGaT Center for Human Genetics Tuebingen
Classification: Likely benign. Last evaluated: 2026-05-01. Review status: criteria provided, single submitter. Criteria: CeGaT Center For Human Genetics Tuebingen Variant Classification Criteria Version 2. Collection method: clinical testing. Allele origin: germline. Affected: yes. Observed: 4 variant alleles.
Comment: RBCK1: BP4, BP7

Labcorp Genetics (formerly Invitae), Labcorp
Classification: Benign for Polyglucosan body myopathy type 1. Last evaluated: 2026-01-26. Review status: criteria provided, single submitter. Criteria: Invitae Variant Classification Sherloc (09022015). Collection method: clinical testing. Allele origin: germline.

Blueprint Genetics
Classification: Likely benign. Last evaluated: 2024-10-09. Review status: criteria provided, single submitter. Criteria: ACMG Guidelines, 2015. Collection method: clinical testing. Allele origin: germline.

PreventionGenetics, part of Exact Sciences
Classification: Likely benign for RBCK1-related condition. Last evaluated: 2024-01-19. Review status: no assertion criteria provided. Collection method: clinical testing. Allele origin: germline. Not counted in ClinVar's aggregate classification.
Comment: This variant is classified as likely benign based on ACMG/AMP sequence variant interpretation guidelines (Richards et al. 2015 PMID: 25741868, with internal and published modifications).

NM_031229.4(RBCK1):c.150C>T (p.Ser50=)

Gene: RBCK1 (RANBP2-type and C3HC4-type zinc finger containing 1; plus strand). Cytogenetic location: 20p13.
Variant type: single nucleotide variant.
Coding change: c.150C>T on transcript NM_031229.4 (MANE Select); coding-DNA position 150, C replaced by T.
Protein change: p.Ser50=; no amino-acid change (serine 50 retained).
Molecular consequence: synonymous variant. On other transcripts: 5 prime UTR variant (1), non-coding transcript variant (1), intron variant (2).
Genome position (GRCh38, 1-based): chr20:410,008, C>T. VCF-style: chr20-410008-C-T. GRCh37 (hg19) VCF-style: chr20-390652-C-T.
Other names: c.-200C>T (NM_001323956.2); c.150C>T, p.Ser50= (NM_001323960.2); c.41+1229C>T (NM_006462.6); c.-183+1229C>T (NM_001323958.2).
Identifiers: ClinVar variation 725378 (VCV000725378.36), dbSNP rs149008463, ClinGen allele CA9722888.